The following is an entry in ClinVar:

ClinVar aggregate classification (germline): Pathogenic/Likely pathogenic. Review status: criteria provided, multiple submitters, no conflicts (2 of 4 stars). 3 submissions from 3 submitters: Pathogenic (1); Likely pathogenic (2). Last evaluated 2024-01-02.

Conditions:
Peroxisome biogenesis disorder 5A (Zellweger) (PBD5A). Identifiers: Orphanet 912, MedGen C3553940, MONDO:0013932, OMIM 614866.
Peroxisome biogenesis disorder 5B (PBD5B). Identifiers: Orphanet 44, MedGen C3542026, MONDO:0013933, OMIM 614867.

Submissions (3):

Fulgent Genetics
Classification: Likely pathogenic for Peroxisome biogenesis disorder 5A (Zellweger); Peroxisome biogenesis disorder 5B. Last evaluated: 2024-01-02. Review status: criteria provided, single submitter. Criteria: ACMG Guidelines, 2015. Collection method: clinical testing. Allele origin: germline.

Baylor Genetics
Classification: Likely pathogenic for Peroxisome biogenesis disorder 5A (Zellweger). Last evaluated: 2023-09-05. Review status: criteria provided, single submitter. Criteria: ACMG Guidelines, 2015. Collection method: clinical testing. Allele origin: unknown.

Labcorp Genetics (formerly Invitae), Labcorp
Classification: Pathogenic for Peroxisome biogenesis disorder 5A (Zellweger). Last evaluated: 2023-02-04. Review status: criteria provided, single submitter. Criteria: Invitae Variant Classification Sherloc (09022015). Collection method: clinical testing. Allele origin: germline.
Comment: For these reasons, this variant has been classified as Pathogenic. This variant disrupts a region of the PEX2 protein in which other variant(s) (p.Arg119*) have been determined to be pathogenic (PMID: 1546315, 7681622, 9452066, 9585609, 10528859, 15542397, 21465523, 23430938). This suggests that this is a clinically significant region of the protein, and that variants that disrupt it are likely to be disease-causing. Experimental studies and prediction algorithms are not available or were not evaluated, and the functional significance of this variant is currently unknown. ClinVar contains an entry for this variant (Variation ID: 649982). This variant has not been reported in the literature in individuals affected with PEX2-related conditions. This variant is not present in population databases (gnomAD no frequency). This sequence change creates a premature translational stop signal (p.Gln78*) in the PEX2 gene. While this is not anticipated to result in nonsense mediated decay, it is expected to disrupt the last 228 amino acid(s) of the PEX2 protein.

Literature cited by the submitters: PubMed 1546315 (cited by Labcorp Genetics (formerly Invitae), Labcorp); PubMed 7681622 (cited by Labcorp Genetics (formerly Invitae), Labcorp); PubMed 9452066 (cited by Labcorp Genetics (formerly Invitae), Labcorp); PubMed 9585609 (cited by Labcorp Genetics (formerly Invitae), Labcorp); PubMed 10528859 (cited by Labcorp Genetics (formerly Invitae), Labcorp); PubMed 15542397 (cited by Labcorp Genetics (formerly Invitae), Labcorp); PubMed 21465523 (cited by Labcorp Genetics (formerly Invitae), Labcorp); PubMed 23430938 (cited by Labcorp Genetics (formerly Invitae), Labcorp).

NM_000318.3(PEX2):c.232C>T (p.Gln78Ter)

Gene: PEX2 (peroxisomal biogenesis factor 2; minus strand). Cytogenetic location: 8q21.13.
Variant type: single nucleotide variant.
Coding change: c.232C>T on transcript NM_000318.3 (MANE Select); coding-DNA position 232, C replaced by T.
Protein change: p.Gln78Ter; replaces glutamine 78 with a stop codon.
Molecular consequence: nonsense.
Genome position (GRCh38, 1-based): chr8:76,983,947, G>A on the plus strand (C>T on the coding strand, the complement: PEX2 is on the minus strand). VCF-style: chr8-76983947-G-A. GRCh37 (hg19) VCF-style: chr8-77896183-G-A.
Other names: c.232C>T, p.Gln78Ter (NM_001079867.2, NM_001172086.2, NM_001172087.2); short protein forms Q78*.
Identifiers: ClinVar variation 649982 (VCV000649982.10), dbSNP rs1586070043, ClinGen allele CA371557804.